The following is an entry in ClinVar:

ClinVar aggregate classification (germline): Benign/Likely benign. Review status: criteria provided, multiple submitters, no conflicts (2 of 4 stars). 8 submissions from 8 submitters: Benign (3); Likely benign (4). 1 of the submissions does not count toward it. Last evaluated 2026-07-01.

Conditions:
Hereditary cancer-predisposing syndrome. Also called: Hereditary neoplastic syndrome; Tumor predisposition; Neoplastic Syndromes, Hereditary; Hereditary Cancer Syndrome. Identifiers: Orphanet 140162, MedGen C0027672, MeSH D009386, MONDO:0015356.
Cardiovascular phenotype. Identifiers: MedGen CN230736.
LZTR1-related disorder. Also called: LZTR1-related disorders; LZTR1-related condition.

Allele frequency attached by ClinVar (database versions not stated): gnomAD exomes 0.00013; ExAC 0.00036; ESP Exome Variant Server 0.00038; gnomAD 0.00042 and 0.00043; 1000 Genomes Project 30x 0.00078; 1000 Genomes Project 0.00100.
gnomAD v4.1: 164 of 1,603,174 alleles (0.01%); highest among the groups gnomAD compares: African/African-American, 0.14%; no homozygotes.

Submissions (8):

CeGaT Center for Human Genetics Tuebingen
Classification: Likely benign. Last evaluated: 2026-07-01. Review status: criteria provided, single submitter. Criteria: CeGaT Center For Human Genetics Tuebingen Variant Classification Criteria Version 2. Collection method: clinical testing. Allele origin: germline. Affected: yes. Observed: 1 variant allele.
Comment: LZTR1: BP4, BP7

Labcorp Genetics (formerly Invitae), Labcorp
Classification: Benign. Last evaluated: 2026-02-04. Review status: criteria provided, single submitter. Criteria: Invitae Variant Classification Sherloc (09022015). Collection method: clinical testing. Allele origin: germline.

Mayo Clinic Laboratories, Mayo Clinic
Classification: Likely benign. Last evaluated: 2025-05-14. Review status: criteria provided, single submitter. Criteria: ACMG Guidelines, 2015. Collection method: clinical testing. Allele origin: germline. Observed: 1 variant allele.
Comment: BP4, BP7

Blueprint Genetics
Classification: Likely benign. Last evaluated: 2024-06-24. Review status: criteria provided, single submitter. Criteria: ACMG Guidelines, 2015. Collection method: clinical testing. Allele origin: germline.

Women's Health and Genetics/Laboratory Corporation of America, LabCorp
Classification: Benign. Last evaluated: 2023-07-22. Review status: criteria provided, single submitter. Criteria: LabCorp Variant Classification Summary - May 2015. Collection method: clinical testing. Allele origin: germline.

GeneDx
Classification: Likely benign. Last evaluated: 2020-10-21. Review status: criteria provided, single submitter. Criteria: GeneDx Variant Classification Process June 2021. Collection method: clinical testing. Allele origin: germline. Affected: yes.
Comment: See Variant Classification Assertion Criteria.

Ambry Genetics
Classification: Benign for Cardiovascular phenotype; Hereditary cancer-predisposing syndrome. Last evaluated: 2020-09-14. Review status: criteria provided, single submitter. Criteria: Ambry Variant Classification Scheme 2023. Collection method: clinical testing. Allele origin: germline.

PreventionGenetics, part of Exact Sciences
Classification: Likely benign for LZTR1-related condition. Last evaluated: 2020-09-30. Review status: no assertion criteria provided. Collection method: clinical testing. Allele origin: germline. Not counted in ClinVar's aggregate classification.
Comment: This variant is classified as likely benign based on ACMG/AMP sequence variant interpretation guidelines (Richards et al. 2015 PMID: 25741868, with internal and published modifications).

NM_006767.4(LZTR1):c.855C>T (p.Tyr285=)

Gene: LZTR1 (leucine zipper like post translational regulator 1; plus strand). Cytogenetic location: 22q11.21.
Variant type: single nucleotide variant.
Coding change: c.855C>T on transcript NM_006767.4 (MANE Select); coding-DNA position 855, C replaced by T.
Protein change: p.Tyr285=; no amino-acid change (tyrosine 285 retained).
Molecular consequence: synonymous variant.
Genome position (GRCh38, 1-based): chr22:20,991,691, C>T. VCF-style: chr22-20991691-C-T. GRCh37 (hg19) VCF-style: chr22-21345980-C-T.
Other names: p.Tyr285=.
Identifiers: ClinVar variation 1166240 (VCV001166240.18), dbSNP rs140612093, ClinGen allele CA10118652.